The following is an entry in ClinVar:

ClinVar aggregate classification (germline): Uncertain significance (1 of 4 stars; one submission).

Submission:

Greenwood Genetic Center Diagnostic Laboratories, Greenwood Genetic Center
Classification: Uncertain significance. Last evaluated: 2023-10-24. Review status: criteria provided, single submitter. Criteria: ACMG Guidelines, 2015. Collection method: clinical testing. Allele origin: germline. Affected: yes.
Comment: PM2

NM_016194.4(GNB5):c.1103A>T (p.Asn368Ile)

Gene: GNB5 (G protein subunit beta 5; minus strand). Cytogenetic location: 15q21.2.
Variant type: single nucleotide variant.
Coding change: c.1103A>T on transcript NM_016194.4 (MANE Select); coding-DNA position 1103, A replaced by T.
Protein change: p.Asn368Ile; replaces asparagine 368 with isoleucine.
Molecular consequence: missense variant.
Genome position (GRCh38, 1-based): chr15:52,124,546, T>A on the plus strand (A>T on the coding strand, the complement: GNB5 is on the minus strand). VCF-style: chr15-52124546-T-A. GRCh37 (hg19) VCF-style: chr15-52416743-T-A.
Other names: c.821A>T, p.Asn274Ile (NM_001379343.1); c.977A>T, p.Asn326Ile (NM_006578.4); short protein forms N274I, N326I, N368I.
Identifiers: ClinVar variation 2692563 (VCV002692563.1), dbSNP rs2542963066, ClinGen allele CA392487503.